The following is an entry in ClinVar:

NM_000260.4(MYO7A):c.3858G>A (p.Ala1286=)

Gene: MYO7A (myosin VIIA; plus strand). Cytogenetic location: 11q13.5.
Variant type: single nucleotide variant.
Coding change: c.3858G>A on transcript NM_000260.4 (MANE Select); coding-DNA position 3858, G replaced by A.
Protein change: p.Ala1286=; no amino-acid change (alanine 1286 retained).
Molecular consequence: synonymous variant.
Genome position (GRCh38, 1-based): chr11:77,190,804, G>A. VCF-style: chr11-77190804-G-A. GRCh37 (hg19) VCF-style: chr11-76901849-G-A.
Other names: c.3858G>A, p.Ala1286= (NM_001127180.2); c.3825G>A, p.Ala1275= (NM_001369365.1).
Identifiers: ClinVar variation 306184 (VCV000306184.25), dbSNP rs372623270, ClinGen allele CA6198220.

ClinVar aggregate classification (germline): Conflicting classifications of pathogenicity. Review status: criteria provided, conflicting classifications (1 of 4 stars). 10 submissions from 8 submitters: Uncertain significance (2); Likely benign (6). 2 of the submissions do not count toward it. Last evaluated 2026-01-14.

Conditions:
MYO7A-related disorder. Also called: MYO7A-related disorders.
Usher syndrome type 1 (USH1). Also called: RETINITIS PIGMENTOSA AND CONGENITAL DEAFNESS. Identifiers: Orphanet 231169, Orphanet 886, MedGen C1568247, MONDO:0010168, OMIM 276900.
Autosomal dominant nonsyndromic hearing loss 11. Identifiers: Orphanet 90635, MedGen C1832475, MONDO:0011032, OMIM 601317.
Autosomal recessive nonsyndromic hearing loss 2. Also called: NEUROSENSORY NONSYNDROMIC RECESSIVE DEAFNESS 2; DEAFNESS, AUTOSOMAL RECESSIVE 2. Identifiers: Orphanet 90636, MedGen C1838701, MONDO:0010807, OMIM 600060.
Usher syndrome type 1B (USH1B). Also called: Usher syndrome type IB. Identifiers: MedGen C1848638, MONDO:0700087.

Allele frequency attached by ClinVar (database versions not stated): TOPMed 0.00013; 1000 Genomes Project 30x 0.00016; ESP Exome Variant Server 0.00016; gnomAD exomes 0.00016 and 0.00023; gnomAD 0.00019; 1000 Genomes Project 0.00020; ExAC 0.00029.
gnomAD v4.1: 354 of 1,591,584 alleles (0.022%); highest among the groups gnomAD compares: East Asian, 0.41%; 3 homozygotes.

Submissions (10):

Labcorp Genetics (formerly Invitae), Labcorp
Classification: Likely benign. Last evaluated: 2026-01-14. Review status: criteria provided, single submitter. Criteria: Invitae Variant Classification Sherloc (09022015). Collection method: clinical testing. Allele origin: germline.

Blueprint Genetics
Classification: Likely benign. Last evaluated: 2023-09-25. Review status: criteria provided, single submitter. Criteria: ACMG Guidelines, 2015. Collection method: clinical testing. Allele origin: germline.

ARUP Laboratories, Molecular Genetics and Genomics, ARUP Laboratories
Classification: Likely benign. Last evaluated: 2022-05-05. Review status: criteria provided, single submitter. Criteria: ARUP Molecular Germline Variant Investigation Process 2021. Collection method: clinical testing. Allele origin: germline.

GeneDx
Classification: Likely benign. Last evaluated: 2021-01-07. Review status: criteria provided, single submitter. Criteria: GeneDx Variant Classification Process June 2021. Collection method: clinical testing. Allele origin: germline. Affected: yes.

Illumina Laboratory Services, Illumina
Classification: Likely benign for Autosomal dominant nonsyndromic hearing loss 11. Last evaluated: 2018-01-13. Review status: criteria provided, single submitter. Criteria: ICSL Variant Classification Criteria 13 December 2019. Collection method: clinical testing. Allele origin: germline.
Comment: This variant was observed in the ICSL laboratory as part of a predisposition screen in an ostensibly healthy population. It had not been previously curated by ICSL or reported in the Human Gene Mutation Database (HGMD: prior to June 1st, 2018), and was therefore a candidate for classification through an automated scoring system. Utilizing variant allele frequency, disease prevalence and penetrance estimates, and inheritance mode, an automated score was calculated to assess if this variant is too frequent to cause the disease. Based on the score and internal cut-off values, a variant classified as likely benign is not then subjected to further curation. The score for this variant resulted in a classification of likely benign for this disease.

Illumina Laboratory Services, Illumina
Classification: Uncertain significance for Autosomal recessive nonsyndromic hearing loss 2. Last evaluated: 2018-01-13. Review status: criteria provided, single submitter. Criteria: ICSL Variant Classification Criteria 13 December 2019. Collection method: clinical testing. Allele origin: germline.

Illumina Laboratory Services, Illumina
Classification: Uncertain significance for Usher syndrome type 1. Last evaluated: 2018-01-13. Review status: criteria provided, single submitter. Criteria: ICSL Variant Classification Criteria 13 December 2019. Collection method: clinical testing. Allele origin: germline.

Laboratory for Molecular Medicine, Mass General Brigham Personalized Medicine
Classification: Likely benign. Last evaluated: 2017-04-28. Review status: criteria provided, single submitter. Criteria: LMM Criteria. Collection method: clinical testing. Allele origin: germline. Observed: 1 variant allele.
Comment: p.Ala1286Ala in exon 30 of MYO7A: This variant is not expected to have clinical significance because it does not alter an amino acid residue, is not located wit hin the splice consensus sequence. It has been identified in 0.2% (18/9390) of A shkenazi Jewish chromosomes by the Genome Aggregation Database (gnomAD; dbSNP rs372623270).

Natera, Inc.
Classification: Uncertain significance for Usher syndrome type 1B. Last evaluated: 2020-04-16. Review status: no assertion criteria provided. Collection method: clinical testing. Allele origin: germline. Not counted in ClinVar's aggregate classification.

PreventionGenetics, part of Exact Sciences
Classification: Likely benign for MYO7A-related condition. Last evaluated: 2020-03-25. Review status: no assertion criteria provided. Collection method: clinical testing. Allele origin: germline. Not counted in ClinVar's aggregate classification.
Comment: This variant is classified as likely benign based on ACMG/AMP sequence variant interpretation guidelines (Richards et al. 2015 PMID: 25741868, with internal and published modifications).